The following is an entry in ClinVar:

NM_012123.4(MTO1):c.1827A>G (p.Gln609=)

Gene: MTO1 (mitochondrial tRNA translation optimization 1; plus strand). Cytogenetic location: 6q13.
Variant type: single nucleotide variant.
Coding change: c.1827A>G on transcript NM_012123.4 (MANE Select); coding-DNA position 1827, A replaced by G.
Protein change: p.Gln609=; no amino-acid change (glutamine 609 retained).
Molecular consequence: synonymous variant.
Genome position (GRCh38, 1-based): chr6:73,497,806, A>G. VCF-style: chr6-73497806-A-G. GRCh37 (hg19) VCF-style: chr6-74207529-A-G.
Other names: c.1947A>G, p.Gln649= (NM_001123226.2); c.1902A>G, p.Gln634= (NM_133645.3).
Identifiers: ClinVar variation 473196 (VCV000473196.32), dbSNP rs1554150837, ClinGen allele CA450878892.

ClinVar aggregate classification (germline): Likely benign. Review status: criteria provided, multiple submitters, no conflicts (2 of 4 stars). 2 submissions from 2 submitters: Likely benign (2). Last evaluated 2023-07-01.

Conditions:
Mitochondrial hypertrophic cardiomyopathy with lactic acidosis due to MTO1 deficiency. Also called: CARDIOMYOPATHY, INFANTILE HYPERTROPHIC MITOCHONDRIAL, AND LACTIC ACIDOSIS; Combined oxidative phosphorylation deficiency 10. Identifiers: Orphanet 314637, MedGen C4749921, MONDO:0013865, OMIM 614702.

Allele frequency attached by ClinVar (database versions not stated): gnomAD exomes 0.00001.
gnomAD v4.1: 8 of 1,613,946 alleles (0.0005%); highest among the groups gnomAD compares: Non-Finnish European, 0.00068%; no homozygotes.

Submissions (2):

CeGaT Center for Human Genetics Tuebingen
Classification: Likely benign. Last evaluated: 2023-07-01. Review status: criteria provided, single submitter. Criteria: CeGaT Center For Human Genetics Tuebingen Variant Classification Criteria Version 2. Collection method: clinical testing. Allele origin: germline. Affected: yes. Observed: 1 variant allele.
Comment: MTO1: PM2:Supporting, BP4, BP7

Labcorp Genetics (formerly Invitae), Labcorp
Classification: Likely benign for Mitochondrial hypertrophic cardiomyopathy with lactic acidosis due to MTO1 deficiency. Last evaluated: 2017-05-03. Review status: criteria provided, single submitter. Criteria: Invitae Variant Classification Sherloc (09022015). Collection method: clinical testing. Allele origin: germline.